The following is an entry in ClinVar:

ClinVar aggregate classification (germline): Uncertain significance (1 of 4 stars; one submission).

Submission:

Labcorp Genetics (formerly Invitae), Labcorp
Classification: Uncertain significance. Last evaluated: 2024-04-11. Review status: criteria provided, single submitter. Criteria: Invitae Variant Classification Sherloc (09022015). Collection method: clinical testing. Allele origin: germline.
Comment: This sequence change replaces asparagine, which is neutral and polar, with histidine, which is basic and polar, at codon 2011 of the RP1 protein (p.Asn2011His). This variant is not present in population databases (gnomAD no frequency). This variant has not been reported in the literature in individuals affected with RP1-related conditions. An algorithm developed to predict the effect of missense changes on protein structure and function (PolyPhen-2) suggests that this variant is likely to be tolerated. In summary, the available evidence is currently insufficient to determine the role of this variant in disease. Therefore, it has been classified as a Variant of Uncertain Significance.

NM_006269.2(RP1):c.6031A>C (p.Asn2011His)

Genes: RP1 (RP1 axonemal microtubule associated; plus strand), LOC126860392 (CDK7 strongly-dependent group 2 enhancer GRCh37_chr8:55541319-55542518; plus strand). Cytogenetic location: 8q12.1.
Variant type: single nucleotide variant.
Coding change: c.6031A>C on transcript NM_006269.2 (MANE Select); coding-DNA position 6031, A replaced by C.
Protein change: p.Asn2011His; replaces asparagine 2011 with histidine.
Molecular consequence: missense variant. On other transcripts: intron variant (1).
Genome position (GRCh38, 1-based): chr8:54,629,913, A>C. VCF-style: chr8-54629913-A-C. GRCh37 (hg19) VCF-style: chr8-55542473-A-C.
Other names: c.787+7625A>C (NM_001375654.1); short protein forms N2011H.
Identifiers: ClinVar variation 3648803 (VCV003648803.2).